The following is an entry in ClinVar:

NM_002454.3(MTRR):c.1520C>T (p.Ala507Val)

Gene: MTRR (5-methyltetrahydrofolate-homocysteine methyltransferase reductase; plus strand). Cytogenetic location: 5p15.31.
Variant type: single nucleotide variant.
Coding change: c.1520C>T on transcript NM_002454.3 (MANE Select); coding-DNA position 1520, C replaced by T.
Protein change: p.Ala507Val; replaces alanine 507 with valine.
Molecular consequence: missense variant. On other transcripts: non-coding transcript variant (14).
Genome position (GRCh38, 1-based): chr5:7,892,876, C>T. VCF-style: chr5-7892876-C-T. GRCh37 (hg19) VCF-style: chr5-7892989-C-T.
Other names: c.1520C>T, p.Ala507Val (NM_001364440.2, NM_001364441.2, NM_001364442.2 and 1 more transcripts); short protein forms A507V.
Identifiers: ClinVar variation 2154253 (VCV002154253.3), dbSNP rs752491169, ClinGen allele CA3195964.

ClinVar aggregate classification (germline): Uncertain significance (1 of 4 stars; one submission).

Conditions:
Methylcobalamin deficiency type cblE (HMAE). Also called: HOMOCYSTINURIA-MEGALOBLASTIC ANEMIA, cblE TYPE; VITAMIN B12-RESPONSIVE HOMOCYSTINURIA, cblE TYPE; HOMOCYSTINURIA-MEGALOBLASTIC ANEMIA, cblE COMPLEMENTATION TYPE. Identifiers: Orphanet 2169, Orphanet 622, MedGen C1856057, MONDO:0009354, OMIM 236270.

Allele frequency attached by ClinVar (database versions not stated): ExAC 0.00001; gnomAD 0.00001; gnomAD exomes 0.00001; TOPMed 0.00001.
gnomAD v4.1: 8 of 1,614,108 alleles (0.0005%); highest among the groups gnomAD compares: Non-Finnish European, 0.00059%; no homozygotes.

Submission:

Labcorp Genetics (formerly Invitae), Labcorp
Classification: Uncertain significance for Methylcobalamin deficiency type cblE. Last evaluated: 2025-06-20. Review status: criteria provided, single submitter. Criteria: Invitae Variant Classification Sherloc (09022015). Collection method: clinical testing. Allele origin: germline.
Comment: This sequence change replaces alanine, which is neutral and non-polar, with valine, which is neutral and non-polar, at codon 507 of the MTRR protein (p.Ala507Val). This variant is present in population databases (rs752491169, gnomAD 0.004%). This variant has not been reported in the literature in individuals affected with MTRR-related conditions. ClinVar contains an entry for this variant (Variation ID: 2154253). An algorithm developed to predict the effect of missense changes on protein structure and function outputs the following: PolyPhen-2: "Benign". The valine amino acid residue is found in multiple mammalian species, which suggests that this missense change does not adversely affect protein function. In summary, the available evidence is currently insufficient to determine the role of this variant in disease. Therefore, it has been classified as a Variant of Uncertain Significance.